The following is an entry in ClinVar:

ClinVar aggregate classification (germline): Uncertain significance (1 of 4 stars; one submission).

Conditions:
Baller-Gerold syndrome (BGS). Also called: CRANIOSYNOSTOSIS WITH RADIAL DEFECTS. Identifiers: Orphanet 1225, MedGen C0265308, MONDO:0009039, OMIM 218600.

Allele frequency attached by ClinVar (database versions not stated): TOPMed below 0.00001; gnomAD 0.00001.
gnomAD v4.1: 1 of 1,611,976 alleles (0.000062%); highest among the groups gnomAD compares: African/African-American, 0.0013%; no homozygotes.

Submission:

Labcorp Genetics (formerly Invitae), Labcorp
Classification: Uncertain significance for Baller-Gerold syndrome. Last evaluated: 2023-12-17. Review status: criteria provided, single submitter. Criteria: Invitae Variant Classification Sherloc (09022015). Collection method: clinical testing. Allele origin: germline.
Comment: This sequence change replaces glutamine, which is neutral and polar, with histidine, which is basic and polar, at codon 1060 of the RECQL4 protein (p.Gln1060His). This variant is not present in population databases (gnomAD no frequency). This variant has not been reported in the literature in individuals affected with RECQL4-related conditions. Advanced modeling of protein sequence and biophysical properties (such as structural, functional, and spatial information, amino acid conservation, physicochemical variation, residue mobility, and thermodynamic stability) has been performed at Invitae for this missense variant, however the output from this modeling did not meet the statistical confidence thresholds required to predict the impact of this variant on RECQL4 protein function. In summary, the available evidence is currently insufficient to determine the role of this variant in disease. Therefore, it has been classified as a Variant of Uncertain Significance.

NM_004260.4(RECQL4):c.3180G>C (p.Gln1060His)

Gene: RECQL4 (RecQ like helicase 4; minus strand). Cytogenetic location: 8q24.3.
Variant type: single nucleotide variant.
Coding change: c.3180G>C on transcript NM_004260.4 (MANE Select); coding-DNA position 3180, G replaced by C.
Protein change: p.Gln1060His; replaces glutamine 1060 with histidine.
Molecular consequence: missense variant. On other transcripts: non-coding transcript variant (3).
Genome position (GRCh38, 1-based): chr8:144,512,200, C>G on the plus strand (G>C on the coding strand, the complement: RECQL4 is on the minus strand). VCF-style: chr8-144512200-C-G. GRCh37 (hg19) VCF-style: chr8-145737583-C-G.
Other names: c.1977G>C, p.Gln659His (NM_001413037.1); c.1911G>C, p.Gln637His (NM_001413038.1, NM_001413031.1); c.3150G>C, p.Gln1050His (NM_001413039.1); c.2109G>C, p.Gln703His (NM_001413040.1, NM_001413034.1, NM_001413035.1 and 4 more transcripts); c.2118G>C, p.Gln706His (NM_001413041.1); c.2079G>C, p.Gln693His (NM_001413042.1); c.1713G>C, p.Gln571His (NM_001413043.1); c.3180G>C, p.Gln1060His (NM_001413036.1); and 9 more; short protein forms Q571H, Q728H, Q1017H, Q681H, Q703H, Q943H, Q1028H, Q1050H.
Identifiers: ClinVar variation 2733683 (VCV002733683.3), dbSNP rs1457735234, ClinGen allele CA372670014.